The following is an entry in ClinVar:

NM_152383.5(DIS3L2):c.1496G>T (p.Ser499Ile)

Gene: DIS3L2 (DIS3 like 3'-5' exoribonuclease 2; plus strand). Cytogenetic location: 2q37.1.
Variant type: single nucleotide variant.
Coding change: c.1496G>T on transcript NM_152383.5 (MANE Select); coding-DNA position 1496, G replaced by T.
Protein change: p.Ser499Ile; replaces serine 499 with isoleucine.
Molecular consequence: missense variant. On other transcripts: non-coding transcript variant (2).
Genome position (GRCh38, 1-based): chr2:232,263,277, G>T. VCF-style: chr2-232263277-G-T. GRCh37 (hg19) VCF-style: chr2-233127987-G-T.
Other names: c.1496G>T, p.Ser499Ile (NM_001257281.2); short protein forms S499I.
Identifiers: ClinVar variation 1023371 (VCV001023371.8), dbSNP rs772228583, ClinGen allele CA350975362.
Genomic context (GRCh38, chr2:232,263,277, plus strand): 5'-AATGGTTTGGCCGGACCATCATCCGCTCCTGCACCAAACTTAGCTACGAGCATGCACAGA[G>T]CATGATTGAAAGCCCAACTGAGAAAATCCCTGCGAAAGAGCTGCCCCCCATTTCCCCAGA-3'
Protein context (NP_689596.4, residues 489-509): CTKLSYEHAQ[Ser499Ile]MIESPTEKIP

ClinVar aggregate classification (germline): Uncertain significance (1 of 4 stars; one submission).

Conditions:
Perlman syndrome (PRLMNS). Identifiers: Orphanet 2849, MedGen C0796113, MONDO:0009965, OMIM 267000.

Submission:

Labcorp Genetics (formerly Invitae), Labcorp
Classification: Uncertain significance for Perlman syndrome. Last evaluated: 2022-03-29. Review status: criteria provided, single submitter. Criteria: Invitae Variant Classification Sherloc (09022015). Collection method: clinical testing. Allele origin: germline.
Comment: In summary, the available evidence is currently insufficient to determine the role of this variant in disease. Therefore, it has been classified as a Variant of Uncertain Significance. Algorithms developed to predict the effect of missense changes on protein structure and function are either unavailable or do not agree on the potential impact of this missense change (SIFT: "Tolerated"; PolyPhen-2: "Probably Damaging"; Align-GVGD: "Class C0"). ClinVar contains an entry for this variant (Variation ID: 1023371). This variant has not been reported in the literature in individuals affected with DIS3L2-related conditions. This variant is not present in population databases (gnomAD no frequency). This sequence change replaces serine, which is neutral and polar, with isoleucine, which is neutral and non-polar, at codon 499 of the DIS3L2 protein (p.Ser499Ile).